The following is an entry in ClinVar:

ClinVar aggregate classification (germline): Uncertain significance. Review status: criteria provided, multiple submitters, no conflicts (2 of 4 stars). 2 submissions from 2 submitters: Uncertain significance (2). Last evaluated 2024-02-24.

Conditions:
Meckel-Gruber syndrome. Also called: DYSENCEPHALIA SPLANCHNOCYSTICA; GRUBER SYNDROME; Dysencephalia splachnocystica. Identifiers: Orphanet 564, MedGen C0265215, MONDO:0018921.
Nephronophthisis. Also called: Juvenile Nephronophthisis. Identifiers: Orphanet 655, MedGen C0687120, MONDO:0019005, HP:0000090.
Joubert syndrome. Also called: Familial aplasia of the vermis; JOUBERT-BOLTSHAUSER SYNDROME. Identifiers: Orphanet 475, MedGen C5979921, MONDO:0018772.

Allele frequency attached by ClinVar (database versions not stated): gnomAD exomes 0.00001.
gnomAD v4.1: 7 of 1,547,984 alleles (0.00045%); highest among the groups gnomAD compares: South Asian, 0.0084%; no homozygotes.

Submissions (2):

Labcorp Genetics (formerly Invitae), Labcorp
Classification: Uncertain significance for Joubert syndrome; Meckel-Gruber syndrome; Nephronophthisis. Last evaluated: 2024-02-24. Review status: criteria provided, single submitter. Criteria: Invitae Variant Classification Sherloc (09022015). Collection method: clinical testing. Allele origin: germline.
Comment: This sequence change replaces valine, which is neutral and non-polar, with isoleucine, which is neutral and non-polar, at codon 667 of the CEP290 protein (p.Val667Ile). This variant is present in population databases (no rsID available, gnomAD 0.005%). This variant has not been reported in the literature in individuals affected with CEP290-related conditions. ClinVar contains an entry for this variant (Variation ID: 1428057). Algorithms developed to predict the effect of missense changes on protein structure and function output the following: SIFT: "Not Available"; PolyPhen-2: "Benign"; Align-GVGD: "Not Available". The isoleucine amino acid residue is found in multiple mammalian species, which suggests that this missense change does not adversely affect protein function. In summary, the available evidence is currently insufficient to determine the role of this variant in disease. Therefore, it has been classified as a Variant of Uncertain Significance.

Blueprint Genetics
Classification: Uncertain significance. Last evaluated: 2018-12-18. Review status: criteria provided, single submitter. Criteria: ACMG Guidelines, 2015. Collection method: clinical testing. Allele origin: germline.

NM_025114.4(CEP290):c.1999G>A (p.Val667Ile)

Gene: CEP290 (centrosomal protein 290; minus strand). Cytogenetic location: 12q21.32.
Variant type: single nucleotide variant.
Coding change: c.1999G>A on transcript NM_025114.4 (MANE Select); coding-DNA position 1999, G replaced by A.
Protein change: p.Val667Ile; replaces valine 667 with isoleucine.
Molecular consequence: missense variant.
Genome position (GRCh38, 1-based): chr12:88,114,473, C>T on the plus strand (G>A on the coding strand, the complement: CEP290 is on the minus strand). VCF-style: chr12-88114473-C-T. GRCh37 (hg19) VCF-style: chr12-88508250-C-T.
Other names: short protein forms V667I.
Identifiers: ClinVar variation 1428057 (VCV001428057.8), dbSNP rs1374826842, ClinGen allele CA385976831.